The following is an entry in ClinVar:

NM_001080414.4(CCDC88C):c.4112+1G>A

Gene: CCDC88C (coiled-coil and HOOK domain protein 88C; minus strand). Cytogenetic location: 14q32.11.
Variant type: single nucleotide variant.
Coding change: c.4112+1G>A on transcript NM_001080414.4 (MANE Select); the canonical splice donor site of the intron after coding-DNA position 4112, G replaced by A.
Molecular consequence: splice donor variant.
Genome position (GRCh38, 1-based): chr14:91,294,172, C>T on the plus strand (G>A on the coding strand, the complement: CCDC88C is on the minus strand). VCF-style: chr14-91294172-C-T. GRCh37 (hg19) VCF-style: chr14-91760516-C-T.
Identifiers: ClinVar variation 2771278 (VCV002771278.3), dbSNP rs2544313833, ClinGen allele CA390616206.
Genomic context (GRCh38, chr14:91,294,172, plus strand): 5'-AGACTGAGGATGTGCAGCTGTGGTGAGGGTGCGGAGAGGGGTTCAGGGACTCCCTGCTTA[C>T]ATGTACTGCTTCTGCTCCTCATGGTACTGCTCCTTGTTCTCCATGTTCTGCTCCAGAAGC-3'

ClinVar aggregate classification (germline): Likely pathogenic (1 of 4 stars; one submission).

Submission:

Labcorp Genetics (formerly Invitae), Labcorp
Classification: Likely pathogenic. Last evaluated: 2023-10-23. Review status: criteria provided, single submitter. Criteria: Invitae Variant Classification Sherloc (09022015). Collection method: clinical testing. Allele origin: germline.
Comment: This sequence change affects a donor splice site in intron 23 of the CCDC88C gene. It is expected to disrupt RNA splicing. Variants that disrupt the donor or acceptor splice site typically lead to a loss of protein function (PMID: 16199547), and loss-of-function variants in CCDC88C are known to be pathogenic (PMID: 23042809, 29225145). This variant is not present in population databases (gnomAD no frequency). This variant has not been reported in the literature in individuals affected with CCDC88C-related conditions. Algorithms developed to predict the effect of sequence changes on RNA splicing suggest that this variant may disrupt the consensus splice site. In summary, the currently available evidence indicates that the variant is pathogenic, but additional data are needed to prove that conclusively. Therefore, this variant has been classified as Likely Pathogenic.

Literature cited by the submitters: PubMed 16199547; PubMed 23042809; PubMed 29225145.